The following is an entry in ClinVar:

ClinVar aggregate classification (germline): Uncertain significance (1 of 4 stars; one submission).

Conditions:
Hereditary cancer-predisposing syndrome. Also called: Neoplastic Syndromes, Hereditary; Tumor predisposition; Hereditary neoplastic syndrome; Hereditary Cancer Syndrome. Identifiers: Orphanet 140162, MedGen C0027672, MeSH D009386, MONDO:0015356.

Submission:

Ambry Genetics
Classification: Uncertain significance for Hereditary cancer-predisposing syndrome. Last evaluated: 2024-04-30. Review status: criteria provided, single submitter. Criteria: Ambry Variant Classification Scheme 2023. Collection method: clinical testing. Allele origin: germline.
Comment: The p.P429T variant (also known as c.1285C>A), located in coding exon 10 of the SUFU gene, results from a C to A substitution at nucleotide position 1285. The proline at codon 429 is replaced by threonine, an amino acid with highly similar properties. This amino acid position is conserved. In addition, the in silico prediction for this alteration is inconclusive. Based on the available evidence, the clinical significance of this variant remains unclear.

NM_016169.4(SUFU):c.1285C>A (p.Pro429Thr)

Gene: SUFU (SUFU negative regulator of hedgehog signaling; plus strand). Cytogenetic location: 10q24.32.
Variant type: single nucleotide variant.
Coding change: c.1285C>A on transcript NM_016169.4 (MANE Select); coding-DNA position 1285, C replaced by A.
Protein change: p.Pro429Thr; replaces proline 429 with threonine.
Molecular consequence: missense variant.
Genome position (GRCh38, 1-based): chr10:102,617,417, C>A. VCF-style: chr10-102617417-C-A. GRCh37 (hg19) VCF-style: chr10-104377174-C-A.
Other names: c.1285C>A, p.Pro429Thr (NM_001178133.2); short protein forms P429T.
Identifiers: ClinVar variation 3323547 (VCV003323547.1).